The following is an entry in ClinVar:

NM_003072.5(SMARCA4):c.1521_1524delinsGCAC (p.Tyr507_His508delinsTer)

Gene: SMARCA4 (SWI/SNF related BAF chromatin remodeling complex subunit ATPase 4; plus strand). Cytogenetic location: 19p13.2.
Variant type: Indel.
Coding change: c.1521_1524delinsGCAC on transcript NM_003072.5 (MANE Select); coding-DNA positions 1521 to 1524, CCAT replaced by GCAC.
Protein change: p.Tyr507_His508delinsTer.
Molecular consequence: nonsense. On other transcripts: non-coding transcript variant (1).
Genome position (GRCh38, 1-based): chr19:10,994,929-10,994,932, CCAT replaced by GCAC. VCF-style: chr19-10994929-CCAT-GCAC. GRCh37 (hg19) VCF-style: chr19-11105605-CCAT-GCAC.
Other names: c.1521_1524delinsGCAC, p.Tyr507_His508delinsTer (NM_001128844.3, NM_001128845.2, NM_001128846.2 and 6 more transcripts).
Identifiers: ClinVar variation 4856712 (VCV004856712.1).

ClinVar aggregate classification (germline): Pathogenic (1 of 4 stars; one submission).

Conditions:
Rhabdoid tumor predisposition syndrome 2 (RTPS2). Identifiers: Orphanet 231108, Orphanet 69077, MedGen C2750074, MONDO:0013224, OMIM 613325.

Submission:

Myriad Genetics, Inc.
Classification: Pathogenic for Rhabdoid tumor predisposition syndrome 2. Last evaluated: 2026-01-09. Review status: criteria provided, single submitter. Criteria: Myriad Autosomal Dominant, Autosomal Recessive and X-Linked Classification Criteria (2023). Collection method: clinical testing. Allele origin: unknown.
Comment: This variant is considered pathogenic. This variant creates a termination codon and is predicted to result in premature protein truncation.